The following is an entry in ClinVar:

ClinVar aggregate classification (germline): Conflicting classifications of pathogenicity. Review status: criteria provided, conflicting classifications (1 of 4 stars). 2 submissions from 2 submitters: Pathogenic (1); Uncertain significance (1). Last evaluated 2020-05-03.

Conditions:
DEND syndrome. Identifiers: Orphanet 79134, MedGen C4303593, MONDO:0019207.
Maturity-onset diabetes of the young (MODY). Also called: Maturity onset diabetes mellitus in young. Identifiers: Orphanet 552, MedGen C0342276, MONDO:0018911, HP:0004904.

Submissions (2):

Genomic Research Center, Shahid Beheshti University of Medical Sciences
Classification: Pathogenic for DEND syndrome. Last evaluated: 2020-05-03. Review status: criteria provided, single submitter. Criteria: ACMG Guidelines, 2015. Collection method: clinical testing. Allele origin: unknown. Affected: yes.

Clinical Genomics, Uppaluri K&H Personalized Medicine Clinic
Classification: Uncertain significance for Maturity-onset diabetes of the young. Review status: criteria provided, single submitter. Criteria: K&H Uppaluri Personalized Medicine Clinic Variant Classification & Assertion Criteria. Collection method: research. Allele origin: somatic. Inheritance: Autosomal dominant inheritance.
Comment: Mutations in KCNJ11 gene can cause decreased production and secretion of insulin. This can lead to MODY which may be responsive to oral sulfonylureas. It is also associated with Neonatal Diabetes. However, no sufficient evidence is found to ascertain the role of rs1554901822 variant in MODY yet.

Literature cited by the submitters: PubMed 26448950 (cited by Clinical Genomics, Uppaluri K&H Personalized Medicine Clinic); PubMed 15580558 (cited by Clinical Genomics, Uppaluri K&H Personalized Medicine Clinic); PubMed 15718250 (cited by Clinical Genomics, Uppaluri K&H Personalized Medicine Clinic).

NM_000525.4(KCNJ11):c.368dup (p.Ser124fs)

Gene: KCNJ11 (potassium inwardly rectifying channel subfamily J member 11; minus strand). Cytogenetic location: 11p15.1.
Variant type: Duplication.
Coding change: c.368dup on transcript NM_000525.4 (MANE Select); coding-DNA position 368, one base duplicated (T; older notation c.368dupT).
Protein change: p.Ser124fs; shifts the reading frame from serine 124.
Molecular consequence: frameshift variant.
Genome position (GRCh38, 1-based): chr11:17,387,724, A duplicated on the plus strand (T on the coding strand, the reverse complement: KCNJ11 is on the minus strand); the first of 4 consecutive A bases (chr11:17,387,724-17,387,727); duplicating any one gives the same sequence. VCF-style (leftmost placement, unchanged base first): chr11-17387723-G-GA. GRCh37 (hg19) VCF-style: chr11-17409270-G-GA.
Other names: c.107dup, p.Ser37fs (NM_001166290.2, NM_001377296.1, NM_001377297.1); short protein forms S37fs, S124fs.
Identifiers: ClinVar variation 522957 (VCV000522957.5), dbSNP rs1554901822, ClinGen allele CA658797595.